The following is an entry in ClinVar:

ClinVar aggregate classification (germline): Conflicting classifications of pathogenicity. Review status: criteria provided, conflicting classifications (1 of 4 stars). 4 submissions from 4 submitters: Uncertain significance (1); Benign (1); Likely benign (2). Last evaluated 2025-10-08.

Conditions:
Inborn genetic diseases. Identifiers: MedGen C0950123, MeSH D030342.
Neuropathy, hereditary sensory and autonomic, type 2A (HSAN2A). Also called: HSAN IIA; ACROOSTEOLYSIS, GIACCAI TYPE; ACROOSTEOLYSIS, NEUROGENIC; WNK1-Related HSAN2 (HSAN2A); MORVAN DISEASE; NEUROPATHY, CONGENITAL SENSORY. Identifiers: Orphanet 970, MedGen C2752089, MONDO:0024309, OMIM 201300.
Pseudohypoaldosteronism type 2C (PHA2C). Also called: Pseudohypoaldosteronism Type IIC. Identifiers: Orphanet 757, Orphanet 88940, MedGen C1840391, MONDO:0013778, OMIM 614492.

Allele frequency attached by ClinVar (database versions not stated): ExAC 0.00010; gnomAD exomes 0.00010 and 0.00003; gnomAD 0.00003 and 0.00004; TOPMed 0.00005.
gnomAD v4.1: 57 of 1,614,030 alleles (0.0035%); highest among the groups gnomAD compares: Non-Finnish European, 0.00051%; no homozygotes.

Submissions (4):

Labcorp Genetics (formerly Invitae), Labcorp
Classification: Likely benign for Neuropathy, hereditary sensory and autonomic, type 2A; Pseudohypoaldosteronism type 2C. Last evaluated: 2025-10-08. Review status: criteria provided, single submitter. Criteria: Invitae Variant Classification Sherloc (09022015). Collection method: clinical testing. Allele origin: germline.

Mayo Clinic Laboratories, Mayo Clinic
Classification: Likely benign. Last evaluated: 2025-04-11. Review status: criteria provided, single submitter. Criteria: ACMG Guidelines, 2015. Collection method: clinical testing. Allele origin: germline. Observed: 1 variant allele.
Comment: BS1, BP4

Ambry Genetics
Classification: Uncertain significance for Inborn genetic diseases. Last evaluated: 2020-03-02. Review status: criteria provided, single submitter. Criteria: Ambry Variant Classification Scheme 2023. Collection method: clinical testing. Allele origin: germline.
Comment: The p.Q1254E variant (also known as c.3760C>G), located in coding exon 12 of the WNK1 gene, results from a C to G substitution at nucleotide position 3760. The glutamine at codon 1254 is replaced by glutamic acid, an amino acid with highly similar properties. This amino acid position is highly conserved in available vertebrate species. In addition, the in silico prediction for this alteration is inconclusive. Since supporting evidence is limited at this time, the clinical significance of this alteration remains unclear.

Illumina Laboratory Services, Illumina
Classification: Benign for Pseudohypoaldosteronism type 2C. Last evaluated: 2018-01-13. Review status: criteria provided, single submitter. Criteria: ICSL Variant Classification Criteria 13 December 2019. Collection method: clinical testing. Allele origin: germline.
Comment: This variant was observed in the ICSL laboratory as part of a predisposition screen in an ostensibly healthy population. It had not been previously curated by ICSL or reported in the Human Gene Mutation Database (HGMD: prior to June 1st, 2018), and was therefore a candidate for classification through an automated scoring system. Utilizing variant allele frequency, disease prevalence and penetrance estimates, and inheritance mode, an automated score was calculated to assess if this variant is too frequent to cause the disease. Based on the score and internal cut-off values, a variant classified as benign is not then subjected to further curation. The score for this variant resulted in a classification of benign for this disease.

NM_018979.4(WNK1):c.2266C>G (p.Gln756Glu)

Gene: WNK1 (WNK lysine deficient protein kinase 1; plus strand). Cytogenetic location: 12p13.33.
Variant type: single nucleotide variant.
Coding change: c.2266C>G on transcript NM_018979.4 (MANE Select); coding-DNA position 2266, C replaced by G.
Protein change: p.Gln756Glu; replaces glutamine 756 with glutamic acid.
Molecular consequence: missense variant.
Genome position (GRCh38, 1-based): chr12:878,254, C>G. VCF-style: chr12-878254-C-G. GRCh37 (hg19) VCF-style: chr12-987420-C-G.
Other names: p.Gln1254Glu; c.3505C>G, p.Gln1169Glu (NM_001184985.2); c.2263C>G, p.Gln755Glu (NM_014823.3); c.3760C>G, p.Gln1254Glu (NM_213655.5); short protein forms Q756E, Q1254E, Q1169E, Q755E.
Identifiers: ClinVar variation 580425 (VCV000580425.18), dbSNP rs768622577, ClinGen allele CA6382426.
Genomic context (GRCh38, chr12:878,254, plus strand): 5'-ATTGTATTTTATTCTTAGCAGCAGGGAATACAGCAGACAGCCCCTCCTCAACAGACAGTG[C>G]AGTATTCACTTTCACAGACATCAACCTCCAGTGAGGCCACTACTGCACAGCCAGTGAGTC-3'
Protein context (NP_061852.3, residues 746-766): QQTAPPQQTV[Gln756Glu]YSLSQTSTSS